The following is an entry in ClinVar:

NM_001365276.2(TNXB):c.4180G>T (p.Val1394Phe)

Gene: TNXB (tenascin XB; minus strand). Cytogenetic location: 6p21.33.
Variant type: single nucleotide variant.
Coding change: c.4180G>T on transcript NM_001365276.2 (MANE Select); coding-DNA position 4180, G replaced by T.
Protein change: p.Val1394Phe; replaces valine 1394 with phenylalanine.
Molecular consequence: missense variant.
Genome position (GRCh38, 1-based): chr6:32,079,228, C>A on the plus strand (G>T on the coding strand, the complement: TNXB is on the minus strand). VCF-style: chr6-32079228-C-A. GRCh37 (hg19) VCF-style: chr6-32047005-C-A.
Other names: c.4921G>T, p.Val1641Phe (NM_001428335.1); c.4180G>T, p.Val1394Phe (NM_019105.8); short protein forms V1394F, V1641F.
Identifiers: ClinVar variation 3809342 (VCV003809342.1).

ClinVar aggregate classification (germline): Uncertain significance (1 of 4 stars; one submission).

Conditions:
Cardiovascular phenotype. Identifiers: MedGen CN230736.

gnomAD v4.1: 1 of 1,613,768 alleles (0.000062%); highest among the groups gnomAD compares: Non-Finnish European, 0.000085%; no homozygotes.

Submission:

Ambry Genetics
Classification: Uncertain significance for Cardiovascular phenotype. Last evaluated: 2025-01-28. Review status: criteria provided, single submitter. Criteria: Ambry Variant Classification Scheme 2023. Collection method: clinical testing. Allele origin: germline.
Comment: The p.V1394F variant (also known as c.4180G>T), located in coding exon 10 of the TNXB gene, results from a G to T substitution at nucleotide position 4180. The valine at codon 1394 is replaced by phenylalanine, an amino acid with highly similar properties. This amino acid position is conserved. In addition, this alteration is predicted to be tolerated by in silico analysis. Based on the available evidence, the clinical significance of this variant remains unclear.